The following is an entry in ClinVar:

NM_001987.5(ETV6):c.496G>A (p.Val166Met)

Gene: ETV6 (ETS variant transcription factor 6; plus strand). Cytogenetic location: 12p13.2.
Variant type: single nucleotide variant.
Coding change: c.496G>A on transcript NM_001987.5 (MANE Select); coding-DNA position 496, G replaced by A.
Protein change: p.Val166Met; replaces valine 166 with methionine.
Molecular consequence: missense variant.
Genome position (GRCh38, 1-based): chr12:11,869,456, G>A. VCF-style: chr12-11869456-G-A. GRCh37 (hg19) VCF-style: chr12-12022390-G-A.
Other names: short protein forms V166M.
Identifiers: ClinVar variation 1207423 (VCV001207423.31), dbSNP rs142603082, ClinGen allele CA6454264.

ClinVar aggregate classification (germline): Benign/Likely benign. Review status: criteria provided, multiple submitters, no conflicts (2 of 4 stars). 6 submissions from 6 submitters: Benign (3); Likely benign (3). Last evaluated 2026-01-19.

Conditions:
Inborn genetic diseases. Identifiers: MedGen C0950123, MeSH D030342.

Allele frequency attached by ClinVar (database versions not stated): gnomAD 0.00037; ESP Exome Variant Server 0.00054; 1000 Genomes Project 30x 0.00453; 1000 Genomes Project 0.00459.
gnomAD v4.1: 369 of 1,613,548 alleles (0.023%); highest among the groups gnomAD compares: East Asian, 0.45%; no homozygotes.

Submissions (6):

Labcorp Genetics (formerly Invitae), Labcorp
Classification: Benign. Last evaluated: 2026-01-19. Review status: criteria provided, single submitter. Criteria: Invitae Variant Classification Sherloc (09022015). Collection method: clinical testing. Allele origin: germline.

Ambry Genetics
Classification: Benign for Inborn genetic diseases. Last evaluated: 2024-12-04. Review status: criteria provided, single submitter. Criteria: Ambry Variant Classification Scheme 2023. Collection method: clinical testing. Allele origin: germline.

Blueprint Genetics
Classification: Likely benign. Last evaluated: 2024-10-22. Review status: criteria provided, single submitter. Criteria: ACMG Guidelines, 2015. Collection method: clinical testing. Allele origin: germline.

CeGaT Center for Human Genetics Tuebingen
Classification: Likely benign. Last evaluated: 2024-07-01. Review status: criteria provided, single submitter. Criteria: CeGaT Center For Human Genetics Tuebingen Variant Classification Criteria Version 2. Collection method: clinical testing. Allele origin: germline. Affected: yes. Observed: 1 variant allele.
Comment: ETV6: BP4, BS1

GeneDx
Classification: Likely benign. Last evaluated: 2021-03-31. Review status: criteria provided, single submitter. Criteria: GeneDx Variant Classification Process June 2021. Collection method: clinical testing. Allele origin: germline. Affected: yes.
Comment: In silico analysis, which includes protein predictors and evolutionary conservation, supports that this variant does not alter protein structure/function; Has not been previously published as a germline pathogenic or benign variant to our knowledge

Genetic Services Laboratory, University of Chicago
Classification: Benign. Last evaluated: 2017-10-25. Review status: criteria provided, single submitter. Criteria: ACMG Guidelines, 2015. Collection method: clinical testing. Allele origin: germline. Affected: no.